The following is an entry in ClinVar:

ClinVar aggregate classification (germline): Benign. Review status: criteria provided, multiple submitters, no conflicts (2 of 4 stars). 4 submissions from 4 submitters: Benign (4). Last evaluated 2026-02-04.

Conditions:
Familial adenomatous polyposis 1 (FAP1). Also called: POLYPOSIS, ADENOMATOUS INTESTINAL; FAMILIAL ADENOMATOUS POLYPOSIS 1, ATTENUATED. Identifiers: MedGen C2713442, MONDO:0021056, OMIM 175100. Disease mechanism: loss of function.

Allele frequency attached by ClinVar (database versions not stated): 1000 Genomes Project 0.17772; TOPMed 0.15916.
gnomAD v4.1: 132,897 of 965,948 alleles (14%); highest among the groups gnomAD compares: African/African-American, 23%; 9,920 homozygotes.

Submissions (4):

Labcorp Genetics (formerly Invitae), Labcorp
Classification: Benign for Familial adenomatous polyposis 1. Last evaluated: 2026-02-04. Review status: criteria provided, single submitter. Criteria: Invitae Variant Classification Sherloc (09022015). Collection method: clinical testing. Allele origin: germline.

Center for Genomic Medicine, Rigshospitalet, Copenhagen University Hospital
Classification: Benign. Last evaluated: 2025-03-04. Review status: criteria provided, single submitter. Criteria: ACMG Guidelines, 2015. Collection method: clinical testing. Allele origin: germline.

Blueprint Genetics
Classification: Benign. Last evaluated: 2024-11-26. Review status: criteria provided, single submitter. Criteria: ACMG Guidelines, 2015. Collection method: clinical testing. Allele origin: germline.

GeneDx
Classification: Benign. Last evaluated: 2016-11-16. Review status: criteria provided, single submitter. Criteria: GeneDx Variant Classification (06012015). Collection method: clinical testing. Allele origin: germline. Affected: yes.
Comment: This variant is considered likely benign or benign based on one or more of the following criteria: it is a conservative change, it occurs at a poorly conserved position in the protein, it is predicted to be benign by multiple in silico algorithms, and/or has population frequency not consistent with disease.

NM_001127511.3(APC):c.-133C>G

Gene: APC (APC regulator of Wnt signaling pathway; plus strand). Cytogenetic location: 5q22.2.
Variant type: single nucleotide variant.
Coding change: c.-133C>G on transcript NM_001127511.3; 133 bases upstream of the start codon, C replaced by G.
Molecular consequence: 5 prime UTR variant. On other transcripts: non-coding transcript variant (2).
Genome position (GRCh38, 1-based): chr5:112,707,585, C>G. VCF-style: chr5-112707585-C-G. GRCh37 (hg19) VCF-style: chr5-112043282-C-G.
Other names: c.-316C>G (NM_001407452.1, NM_001407456.1, NM_001407460.1 and 3 more transcripts); c.-107C>G (NM_001407453.1); c.-83C>G (NM_001407457.1, NM_001407458.1, NM_001407448.1 and 1 more transcripts); c.-1351C>G (NM_001407470.1, NM_001407472.1); c.-133C>G (NM_001354897.2, NM_001354902.2, NM_001407446.1).
Identifiers: ClinVar variation 379246 (VCV000379246.54), dbSNP rs79896135, ClinGen allele CA12132519.